The following is an entry in ClinVar:

ClinVar aggregate classification (germline): Uncertain significance. Review status: criteria provided, multiple submitters, no conflicts (2 of 4 stars). 7 submissions from 7 submitters: Uncertain significance (6). 1 of the submissions does not count toward it. Last evaluated 2025-12-29.

Conditions:
Hereditary cancer-predisposing syndrome. Also called: Neoplastic Syndromes, Hereditary; Hereditary neoplastic syndrome; Tumor predisposition; Hereditary Cancer Syndrome. Identifiers: Orphanet 140162, MedGen C0027672, MeSH D009386, MONDO:0015356.
Familial cancer of breast. Also called: hereditary breast carcinoma; Hereditary breast cancer; BREAST CANCER, FAMILIAL. Identifiers: Orphanet 227535, MedGen C0346153, MONDO:0016419, OMIM 114480. Disease mechanism: loss of function.
Ataxia-telangiectasia syndrome (AT). Also called: Ataxia telangiectasia (A-T); Cerebello-oculocutaneous telangiectasia; Immunodeficiency with ataxia telangiectasia; LOUIS-BAR SYNDROME; AT, COMPLEMENTATION GROUP C; ATAXIA-TELANGIECTASIA, FRESNO VARIANT. Identifiers: Orphanet 100, MedGen C0004135, MONDO:0008840, OMIM 208900.

gnomAD v4.1: 1 of 1,614,060 alleles (0.000062%); highest among the groups gnomAD compares: Non-Finnish European, 0.000085%; no homozygotes.

Submissions (7):

Labcorp Genetics (formerly Invitae), Labcorp
Classification: Uncertain significance for Ataxia-telangiectasia syndrome. Last evaluated: 2025-12-29. Review status: criteria provided, single submitter. Criteria: Invitae Variant Classification Sherloc (09022015). Collection method: clinical testing. Allele origin: germline.
Comment: This sequence change replaces arginine, which is basic and polar, with lysine, which is basic and polar, at codon 2713 of the ATM protein (p.Arg2713Lys). This variant is not present in population databases (gnomAD no frequency). This missense change has been observed in individual(s) with breast cancer (PMID: 12673797). ClinVar contains an entry for this variant (Variation ID: 231772). Invitae Evidence Modeling of protein sequence and biophysical properties (such as structural, functional, and spatial information, amino acid conservation, physicochemical variation, residue mobility, and thermodynamic stability) has been performed for this missense variant. However, the output from this modeling did not meet the statistical confidence thresholds required to predict the impact of this variant on ATM protein function. In summary, the available evidence is currently insufficient to determine the role of this variant in disease. Therefore, it has been classified as a Variant of Uncertain Significance.

Baylor Genetics
Classification: Uncertain significance for Familial cancer of breast. Last evaluated: 2024-02-20. Review status: criteria provided, single submitter. Criteria: ACMG Guidelines, 2015. Collection method: clinical testing. Allele origin: unknown.

Ambry Genetics
Classification: Uncertain significance for Hereditary cancer-predisposing syndrome. Last evaluated: 2024-01-17. Review status: criteria provided, single submitter. Criteria: Ambry Variant Classification Scheme 2023. Collection method: clinical testing. Allele origin: germline.
Comment: The p.R2713K variant (also known as c.8138G>A), located in coding exon 54 of the ATM gene, results from a G to A substitution at nucleotide position 8138. The arginine at codon 2713 is replaced by lysine, an amino acid with highly similar properties. In one study, this alteration was identified in 0/1207 cases of French women diagnosed with breast cancer who had a sister with breast cancer and were BRCA1 and BRCA2 negative and 1/1199 general population controls (Girard E et al. Int J Cancer, 2019 04;144:1962-1974). This amino acid position is highly conserved in available vertebrate species. In addition, this alteration is predicted to be deleterious by in silico analysis. Since supporting evidence is limited at this time, the clinical significance of this alteration remains unclear.

GeneDx
Classification: Uncertain significance. Last evaluated: 2019-08-15. Review status: criteria provided, single submitter. Criteria: GeneDx Variant Classification Process June 2021. Collection method: clinical testing. Allele origin: germline. Affected: yes.
Comment: Not observed in large population cohorts (Lek 2016); In silico analysis, which includes protein predictors and evolutionary conservation, supports that this variant does not alter protein structure/function; Observed in individuals with breast cancer (Bernstein 2003); This variant is associated with the following publications: (PMID: 16631465, 12673797)

Color Diagnostics, LLC DBA Color Health
Classification: Uncertain significance for Hereditary cancer-predisposing syndrome. Last evaluated: 2019-05-08. Review status: criteria provided, single submitter. Criteria: ACMG Guidelines, 2015. Collection method: clinical testing. Allele origin: germline.

Illumina Laboratory Services, Illumina
Classification: Uncertain significance for Ataxia-telangiectasia syndrome. Last evaluated: 2017-04-27. Review status: criteria provided, single submitter. Criteria: ICSL Variant Classification Criteria 13 December 2019. Collection method: clinical testing. Allele origin: germline.
Comment: This variant was observed as part of a predisposition screen in an ostensibly healthy population. A literature search was performed for the gene, cDNA change, and amino acid change (where applicable). Publications were found based on this search. However, the evidence from the literature, in combination with allele frequency data from public databases where available, was not sufficient to rule this variant in or out of causing disease. Therefore, this variant is classified as a variant of unknown significance.

Natera, Inc.
Classification: Uncertain significance for Ataxia-telangiectasia. Last evaluated: 2021-08-16. Review status: no assertion criteria provided. Collection method: clinical testing. Allele origin: germline. Not counted in ClinVar's aggregate classification.

Literature cited by the submitters: PubMed 12673797 (cited by 3 submitters); PubMed 16631465 (cited by Ambry Genetics); PubMed 30303537 (cited by Ambry Genetics).

NM_000051.4(ATM):c.8138G>A (p.Arg2713Lys)

Genes: ATM (ATM serine/threonine kinase; plus strand), C11orf65 (chromosome 11 open reading frame 65; minus strand). Cytogenetic location: 11q22.3.
Variant type: single nucleotide variant.
Coding change: c.8138G>A on transcript NM_000051.4 (MANE Select); coding-DNA position 8138, G replaced by A.
Protein change: p.Arg2713Lys; replaces arginine 2713 with lysine.
Molecular consequence: missense variant. On other transcripts: intron variant (2).
Genome position (GRCh38, 1-based): chr11:108,335,096, G>A. VCF-style: chr11-108335096-G-A. GRCh37 (hg19) VCF-style: chr11-108205823-G-A.
Other names: c.8138G>A, p.Arg2713Lys (NM_001351834.2); c.641-26025C>T (NM_001330368.2); c.*38+124C>T (NM_001351110.2); short protein forms R2713K.
Identifiers: ClinVar variation 231772 (VCV000231772.35), dbSNP rs876659351, ClinGen allele CA10579283.